The following is an entry in ClinVar:

ClinVar aggregate classification (germline): Pathogenic. Review status: reviewed by expert panel (3 of 4 stars). 2 submissions from 2 submitters: Pathogenic (1). 1 of the submissions does not count toward it. Last evaluated 2020-10-14.

Conditions:
Glanzmann thrombasthenia 1 (GT1). Also called: BLEEDING DISORDER, PLATELET-TYPE, 2; GP IIb-IIIa COMPLEX DEFICIENCY; GLYCOPROTEIN COMPLEX IIb-IIIa DEFICIENCY; PLATELET FIBRINOGEN RECEPTOR DEFICIENCY. Identifiers: MedGen CN300358, MONDO:0031332, OMIM 273800.
Glanzmann thrombasthenia. Also called: THROMBASTHENIA OF GLANZMANN AND NAEGELI; Glanzmann's thrombasthenia; Thrombasthenia; PLATELET GLYCOPROTEIN IIb-IIIa DEFICIENCY. Identifiers: Orphanet 849, MedGen C0040015, MONDO:0100326.

Submissions (2):

ClinGen Platelet Disorders Variant Curation Expert Panel, ClinGen
Classification: Pathogenic for Glanzmann thrombasthenia. Last evaluated: 2020-10-14. Review status: reviewed by expert panel. Criteria: ClinGen Platelet ACMG Specifications v2. Collection method: curation. Allele origin: germline. Inheritance: Autosomal recessive inheritance.
Comment: The ITGA2B nonsense variant NM_000419.5:c.266G>A (p.Trp89Ter) is expected to introduce a premature termination and the resulting mRNA product is predicted to undergo nonsense mediated decay, leading to loss of normal protein function. This variant has been observed in homozygosity in one individual with a phenotype specific for Glanzmann's thrombasthenia (GT) (GT-13, PMID: 25539746; reported as p.Trp51Stop in the publication, but determined to be p.Trp58Ter/p.Trp89Ter through personal communication with the corresponding author, Dr. JosÃ© Rivera) and an affected relative (also homozygous for this variant). Furthermore, this variant is absent from population databases. In summary, this variant meets criteria to be classified as pathogenic for GT. GT-specific criteria applied: PVS1, PM3_supporting, PP4_moderate, PM2_supporting, PP1.

ISTH-SSC Genomics in Thrombosis and Hemostasis, KU Leuven, Center for Molecular and Vascular Biology
Classification: Pathogenic for Glanzmann thrombasthenia 1. Review status: criteria provided, single submitter. Criteria: ACMG Guidelines, 2015. Collection method: clinical testing. Allele origin: germline. Affected: yes. Observed: 1 homozygote. Not counted in ClinVar's aggregate classification.
Comment: Submitted to GoldVariant by Jose María Bastida and José Rivera; Grupo Español de Alteraciones Plaquetarias Congénitas (GEAPC)

NM_000419.5(ITGA2B):c.266G>A (p.Trp89Ter)

Gene: ITGA2B (integrin subunit alpha 2b; minus strand). Cytogenetic location: 17q21.31.
Variant type: single nucleotide variant.
Coding change: c.266G>A on transcript NM_000419.5 (MANE Select); coding-DNA position 266, G replaced by A.
Protein change: p.Trp89Ter; replaces tryptophan 89 with a stop codon.
Molecular consequence: nonsense.
Genome position (GRCh38, 1-based): chr17:44,386,054, C>T on the plus strand (G>A on the coding strand, the complement: ITGA2B is on the minus strand). VCF-style: chr17-44386054-C-T. GRCh37 (hg19) VCF-style: chr17-42463422-C-T.
Other names: short protein forms W89*.
Identifiers: ClinVar variation 996185 (VCV000996185.5), dbSNP rs2048646082, ClinGen allele CA399806384.
Genomic context (GRCh38, chr17:44,386,054, plus strand): 5'-CTTGCCTGGGACTCACGGAGGTCAAAGAGCAGCGAGGGGCACTGGCCGCCCTCGGCCCTC[C>T]AGGGGCACAGGAACACGCCGCCCGTCTCCTCCTGGCTGGGGCCCAGGGTCCGCGGGGCGC-3'